The following is an entry in ClinVar:

NM_001377229.1(DISP1):c.2362A>G (p.Thr788Ala)

Gene: DISP1 (dispatched RND transporter family member 1; plus strand). Cytogenetic location: 1q41.
Variant type: single nucleotide variant.
Coding change: c.2362A>G on transcript NM_001377229.1 (MANE Select); coding-DNA position 2362, A replaced by G.
Protein change: p.Thr788Ala; replaces threonine 788 with alanine.
Molecular consequence: missense variant.
Genome position (GRCh38, 1-based): chr1:223,003,759, A>G. VCF-style: chr1-223003759-A-G. GRCh37 (hg19) VCF-style: chr1-223177101-A-G.
Other names: c.1633A>G, p.Thr545Ala (NM_001350630.2); c.2362A>G, p.Thr788Ala (NM_001369594.1, NM_001377228.1, NM_032890.5); short protein forms T545A, T788A.
Identifiers: ClinVar variation 2636983 (VCV002636983.1), dbSNP rs2102801720, ClinGen allele CA344681304.

ClinVar aggregate classification (germline): Uncertain significance (1 of 4 stars; one submission).

Conditions:
DISP1-related disorder. Also called: DISP1-related condition.

Allele frequency attached by ClinVar (database versions not stated): gnomAD 0.00001.
gnomAD v4.1: 1 of 1,614,142 alleles (0.000062%); highest among the groups gnomAD compares: South Asian, 0.0011%; no homozygotes.

Submission:

PreventionGenetics, part of Exact Sciences
Classification: Uncertain significance for DISP1-related condition. Last evaluated: 2022-10-19. Review status: criteria provided, single submitter. Criteria: ACMG Guidelines, 2015. Collection method: clinical testing. Allele origin: germline.
Comment: The DISP1 c.2362A>G variant is predicted to result in the amino acid substitution p.Thr788Ala. To our knowledge, this variant has not been reported in the literature or in a large population database, indicating this variant is rare. At this time, the clinical significance of this variant is uncertain due to the absence of conclusive functional and genetic evidence.